The following is an entry in ClinVar:

ClinVar aggregate classification (germline): Uncertain significance (1 of 4 stars; one submission).

Conditions:
Spondyloepiphyseal dysplasia tarda, X-linked. Also called: SED TARDA, X-LINKED. Identifiers: MedGen C3541456, MONDO:0010737, OMIM 313400.

Submission:

3billion
Classification: Uncertain significance for Spondyloepiphyseal dysplasia tarda, X-linked. Last evaluated: 2025-08-18. Review status: criteria provided, single submitter. Criteria: ACMG Guidelines, 2015. Collection method: clinical testing. Allele origin: germline. Affected: yes.
Comment: The variant is not observed in the gnomAD v4.1.0 dataset. Predicted Consequence/Location: Intron variant In silico tools predict the variant to alter splicing and produce an abnormal transcript [SpliceAI: 0.28 (>=0.2, moderate evidence for spliceogenicity)]. Therefore, this variant is classified as VUS according to the recommendation of ACMG/AMP guideline.

NM_001011658.4(TRAPPC2):c.239-14_239-12del

Genes: OFD1 (OFD1 centriole and centriolar satellite protein; plus strand), TRAPPC2 (trafficking protein particle complex subunit 2; minus strand). Cytogenetic location: Xp22.2.
Variant type: Deletion.
Coding change: c.239-14_239-12del on transcript NM_001011658.4 (MANE Select); 14 bases into the intron before coding-DNA position 239 through 12 bases into the intron before coding-DNA position 239, 3 bases deleted (CTT; older notation c.239-14_239-12delCTT).
Molecular consequence: intron variant.
Genome position (GRCh38, 1-based): chrX:13,716,101-13,716,103, AAG deleted on the plus strand (CTT on the coding strand, the reverse complement: TRAPPC2 is on the minus strand). VCF-style (leftmost placement, unchanged base first): chrX-13716100-TAAG-T. GRCh37 (hg19) VCF-style: chrX-13734219-TAAG-T.
Other names: c.239-14_239-12del (NM_014563.6); c.341-14_341-12del (NM_001128835.3).
Identifiers: ClinVar variation 4854358 (VCV004854358.1).